The following is an entry in ClinVar:

ClinVar aggregate classification (germline): Uncertain significance. Review status: criteria provided, multiple submitters, no conflicts (2 of 4 stars). 4 submissions from 4 submitters: Uncertain significance (4). Last evaluated 2025-03-04.

Conditions:
Ataxia-telangiectasia syndrome (AT). Also called: Ataxia telangiectasia (A-T); LOUIS-BAR SYNDROME; Cerebello-oculocutaneous telangiectasia; Immunodeficiency with ataxia telangiectasia; Ataxia-telangiectasia, complementation group D; AT, COMPLEMENTATION GROUP C. Identifiers: Orphanet 100, MedGen C0004135, MONDO:0008840, OMIM 208900.
Hereditary cancer-predisposing syndrome. Also called: Hereditary neoplastic syndrome; Neoplastic Syndromes, Hereditary; Tumor predisposition; Hereditary Cancer Syndrome. Identifiers: Orphanet 140162, MedGen C0027672, MeSH D009386, MONDO:0015356.

gnomAD v4.1: 1 of 1,613,754 alleles (0.000062%); highest among the groups gnomAD compares: Non-Finnish European, 0.000085%; no homozygotes.

Submissions (4):

Center for Genomic Medicine, Rigshospitalet, Copenhagen University Hospital
Classification: Uncertain significance. Last evaluated: 2025-03-04. Review status: criteria provided, single submitter. Criteria: ACMG Guidelines, 2015. Collection method: clinical testing. Allele origin: germline.

Ambry Genetics
Classification: Uncertain significance for Hereditary cancer-predisposing syndrome. Last evaluated: 2023-02-10. Review status: criteria provided, single submitter. Criteria: Ambry Variant Classification Scheme 2023. Collection method: clinical testing. Allele origin: germline.
Comment: The p.L262S variant (also known as c.785T>C), located in coding exon 6 of the ATM gene, results from a T to C substitution at nucleotide position 785. The leucine at codon 262 is replaced by serine, an amino acid with dissimilar properties. This amino acid position is not well conserved in available vertebrate species. In addition, the in silico prediction for this alteration is inconclusive. Since supporting evidence is limited at this time, the clinical significance of this alteration remains unclear.

GeneDx
Classification: Uncertain significance. Last evaluated: 2023-01-19. Review status: criteria provided, single submitter. Criteria: GeneDx Variant Classification Process June 2021. Collection method: clinical testing. Allele origin: germline. Affected: yes.
Comment: Not observed at significant frequency in large population cohorts (gnomAD); In silico analysis supports that this missense variant has a deleterious effect on protein structure/function; Observed in an individual with breast cancer (Girard et al., 2019); This variant is associated with the following publications: (PMID: 30303537)

Labcorp Genetics (formerly Invitae), Labcorp
Classification: Uncertain significance for Ataxia-telangiectasia syndrome. Last evaluated: 2022-10-28. Review status: criteria provided, single submitter. Criteria: Invitae Variant Classification Sherloc (09022015). Collection method: clinical testing. Allele origin: germline.
Comment: This sequence change replaces leucine, which is neutral and non-polar, with serine, which is neutral and polar, at codon 262 of the ATM protein (p.Leu262Ser). This variant is not present in population databases (gnomAD no frequency). This missense change has been observed in individual(s) with breast cancer (PMID: 30303537). ClinVar contains an entry for this variant (Variation ID: 407564). Algorithms developed to predict the effect of missense changes on protein structure and function (SIFT, PolyPhen-2, Align-GVGD) all suggest that this variant is likely to be disruptive. In summary, the available evidence is currently insufficient to determine the role of this variant in disease. Therefore, it has been classified as a Variant of Uncertain Significance.

Literature cited by the submitters: PubMed 30303537 (cited by Labcorp Genetics (formerly Invitae), Labcorp).

NM_000051.4(ATM):c.785T>C (p.Leu262Ser)

Gene: ATM (ATM serine/threonine kinase; plus strand). Cytogenetic location: 11q22.3.
Variant type: single nucleotide variant.
Coding change: c.785T>C on transcript NM_000051.4 (MANE Select); coding-DNA position 785, T replaced by C.
Protein change: p.Leu262Ser; replaces leucine 262 with serine.
Molecular consequence: missense variant.
Genome position (GRCh38, 1-based): chr11:108,244,910, T>C. VCF-style: chr11-108244910-T-C. GRCh37 (hg19) VCF-style: chr11-108115637-T-C.
Other names: c.785T>C, p.Leu262Ser (NM_001351834.2); short protein forms L262S.
Identifiers: ClinVar variation 407564 (VCV000407564.12), dbSNP rs864622163, ClinGen allele CA16613251.